The following is an entry in ClinVar:

ClinVar aggregate classification (germline): Pathogenic (1 of 4 stars; one submission).

Submission:

ARUP Laboratories, Molecular Genetics and Genomics, ARUP Laboratories
Classification: Pathogenic. Last evaluated: 2023-07-07. Review status: criteria provided, single submitter. Criteria: ARUP Molecular Germline Variant Investigation Process 2024. Collection method: clinical testing. Allele origin: germline.
Comment: The F8 c.4473C>G; p.Tyr1491Ter variant, also known as Y1492X, as well as another nonsense variant at the same position (c.4473C>A; p.Tyr1491Ter, ClinVar Variation ID: 449368), are reported in the literature in multiple individuals affected with severe hemophilia A (Casana 2008, Green 2008, Johnsen 2017). The c.4473C>G; p.Tyr1491Ter variant is absent from the Genome Aggregation Database, indicating it is not a common polymorphism. This variant induces an early termination codon and is predicted to result in a truncated protein or mRNA subject to nonsense-mediated decay. Based on available information, this variant is considered to be pathogenic. References: Casana P et al. Severe and moderate hemophilia A: identification of 38 new genetic alterations. Haematologica. 2008 Jul;93(7):1091-4. PMID: 18403393. Green PM et al. Haemophilia A mutations in the UK: results of screening one-third of the population. Br J Haematol. 2008 Oct;143(1):115-28. PMID: 18691168. Johnsen JM et al. Novel approach to genetic analysis and results in 3000 hemophilia patients enrolled in the My Life, Our Future initiative. Blood Adv. 2017 May 18;1(13):824-834. PMID: 29296726.

NM_000132.4(F8):c.4473C>G (p.Tyr1491Ter)

Gene: F8 (coagulation factor VIII; minus strand). Cytogenetic location: Xq28.
Variant type: single nucleotide variant.
Coding change: c.4473C>G on transcript NM_000132.4 (MANE Select); coding-DNA position 4473, C replaced by G.
Protein change: p.Tyr1491Ter; replaces tyrosine 1491 with a stop codon.
Molecular consequence: nonsense.
Genome position (GRCh38, 1-based): chrX:154,929,317, G>C on the plus strand (C>G on the coding strand, the complement: F8 is on the minus strand). VCF-style: chrX-154929317-G-C. GRCh37 (hg19) VCF-style: chrX-154157592-G-C.
Other names: short protein forms Y1491*.
Identifiers: ClinVar variation 2920803 (VCV002920803.1), dbSNP rs1557278411, ClinGen allele CA414918001.